The following is an entry in ClinVar:

ClinVar aggregate classification (germline): Pathogenic (1 of 4 stars; one submission).

Conditions:
Parkinson disease (PD). Identifiers: MedGen C0030567, MeSH D010300, MONDO:0005180.

Submission:

Brain and Spine Institute, INSERM
Classification: Pathogenic for Parkinson disease. Last evaluated: 2015-11-16. Review status: criteria provided, single submitter. Criteria: Lesage et al. (Am J Hum Genet. 2016). Collection method: research. Allele origin: inherited. Affected: yes and no. Observed: 2 variant alleles, 1 heterozygote, 1 compound heterozygote.
Comment: recessive, early-onset, rapid progression

NM_020821.3(VPS13C):c.806_807insCAGA (p.Arg269fs)

Gene: VPS13C (vacuolar protein sorting 13 homolog C; minus strand). Cytogenetic location: 15q22.2.
Variant type: Insertion.
Coding change: c.806_807insCAGA on transcript NM_020821.3 (MANE Select); coding-DNA positions 806 to 807, CAGA inserted.
Protein change: p.Arg269fs; shifts the reading frame from arginine 269.
Molecular consequence: frameshift variant.
Genome position: GRCh38 VCF-style: chr15-62013057-T-TTCTG. GRCh37 (hg19) VCF-style: chr15-62305256-T-TTCTG.
Other names: c.806_807insCAGA, p.Arg269fs (NM_001018088.3); c.677_678insCAGA, p.Arg226fs (NM_017684.5, NM_018080.4); short protein forms R226fs, R269fs.
Identifiers: ClinVar variation 222068 (VCV000222068.2), dbSNP rs879253853, ClinGen allele CA10575854.